The following is an entry in ClinVar:

NM_002439.5(MSH3):c.777_778insTTTTTTTTTTTTTTTTTTTTNNNNNNNNNNGTTTCACCATTTTAGCCGGGATGGTCTCGATCTCCTGACCTCGTGATCCGCCCGCCTCGGCCTCCCAAAGAAGTATAGATTCTTT (p.Gly260delinsPhePhePhePhePhePheXaaXaaXaaXaaValSerProPheTer)

Gene: MSH3 (mutS homolog 3; plus strand). Cytogenetic location: 5q14.1.
Variant type: Insertion.
Coding change: c.777_778insTTTTTTTTTTTTTTTTTTTTNNNNNNNNNNGTTTCACCATTTTAGCCGGGATGGTCTCGATCTCCTGACCTCGTGATCCGCCCGCCTCGGCCTCCCAAAGAAGTATAGATTCTTT on transcript NM_002439.5 (MANE Select); coding-DNA positions 777 to 778, TTTTTTTTTTTTTTTTTTTTNNNNNNNNNNGTTTCACCATTTTAGCCGGGATGGTCTCGATCTCCTGACCTCGTGATCCGCCCGCCTCGGCCTCCCAAAGAAGTATAGATTCTTT inserted.
Protein change: p.Gly260delinsPhePhePhePhePhePheXaaXaaXaaXaaValSerProPheTer.
Molecular consequence: nonsense.
Genome position: GRCh38: chr5:80,670,294-80,670,295. GRCh37 (hg19): chr5:79,966,113-79,966,114.
Identifiers: ClinVar variation 1425672 (VCV001425672.6), dbSNP rs2112812386.

ClinVar aggregate classification (germline): Pathogenic (1 of 4 stars; one submission).

Submission:

Labcorp Genetics (formerly Invitae), Labcorp
Classification: Pathogenic. Last evaluated: 2025-07-23. Review status: criteria provided, single submitter. Criteria: Invitae Variant Classification Sherloc (09022015). Collection method: clinical testing. Allele origin: germline.
Comment: This sequence change inserts a large fragment of DNA, likely a transposable element, in exon 4 of the MSH3 gene (c.777_778ins?). The exact size and sequence of the insertion cannot be determined by the current assay. RNA analysis indicates that a similar variant induces altered splicing and likely results in a shortened protein product. This variant is not present in population databases (gnomAD no frequency). This variant has not been reported in the literature in individuals affected with MSH3-related conditions. Studies have shown that a similar variant results in skipping of exon 4, but is expected to preserve the integrity of the reading-frame (internal data). Retrotransposon insertions including LINE1 (L1), Alu, and SVA (SINE-VNTR-Alu) have been reported to disrupt protein function (PMID: 19763152, 20307669, 22406018). For these reasons, this variant has been classified as Pathogenic.

Literature cited by the submitters: PubMed 19763152; PubMed 20307669; PubMed 22406018.